The following is an entry in ClinVar:

ClinVar aggregate classification (germline): Conflicting classifications of pathogenicity. Review status: criteria provided, conflicting classifications (1 of 4 stars). 3 submissions from 3 submitters: Uncertain significance (2); Likely benign (1). Last evaluated 2025-09-04.

Conditions:
Inborn genetic diseases. Identifiers: MedGen C0950123, MeSH D030342.
Hypogonadotropic hypogonadism 1 with or without anosmia (HH1). Also called: DYSPLASIA OLFACTOGENITALIS OF DE MORSIER; HYPOGONADOTROPIC HYPOGONADISM AND ANOSMIA; HYPOGONADOTROPIC HYPOGONADISM 1 WITH ANOSMIA; KAL1-Related GnRH Deficiency (Kallmann Syndrome 1; Kallmann Syndrome, X-Linked); Kallmann syndrome, type 1, X-linked; Hypogonadotropic hypogonadism 1 with or without anosmia (Kallmann syndrome 1). Identifiers: Orphanet 478, MedGen C1563719, MONDO:0010635, OMIM 308700. Disease mechanism: loss of function.

Allele frequency attached by ClinVar (database versions not stated): gnomAD exomes 0.00004 and 0.00001; gnomAD 0.00005; TOPMed 0.00005; ExAC 0.00005.
gnomAD v4.1: 20 of 1,209,489 alleles (0.0017%); highest among the groups gnomAD compares: Admixed American, 0.013%; no homozygotes.

Submissions (3):

Labcorp Genetics (formerly Invitae), Labcorp
Classification: Uncertain significance for Hypogonadotropic hypogonadism 1 with or without anosmia. Last evaluated: 2025-09-04. Review status: criteria provided, single submitter. Criteria: Invitae Variant Classification Sherloc (09022015). Collection method: clinical testing. Allele origin: germline.
Comment: This sequence change replaces glycine, which is neutral and non-polar, with arginine, which is basic and polar, at codon 474 of the ANOS1 protein (p.Gly474Arg). This variant is present in population databases (rs755569301, gnomAD 0.02%), including at least one homozygous and/or hemizygous individual. This variant has not been reported in the literature in individuals affected with ANOS1-related conditions. ClinVar contains an entry for this variant (Variation ID: 183683). Invitae Evidence Modeling of protein sequence and biophysical properties (such as structural, functional, and spatial information, amino acid conservation, physicochemical variation, residue mobility, and thermodynamic stability) indicates that this missense variant is not expected to disrupt ANOS1 protein function with a negative predictive value of 80%. Algorithms developed to predict the effect of sequence changes on RNA splicing suggest that this variant may disrupt the consensus splice site. In summary, the available evidence is currently insufficient to determine the role of this variant in disease. Therefore, it has been classified as a Variant of Uncertain Significance.

Ambry Genetics
Classification: Uncertain significance for Inborn genetic diseases. Last evaluated: 2023-04-17. Review status: criteria provided, single submitter. Criteria: Ambry Variant Classification Scheme 2023. Collection method: clinical testing. Allele origin: germline.

Department of Endocrinology and Metabolism, The First Affiliated Hospital of Sun Yet-sen University
Classification: Likely benign for Kallmann syndrome 1. Review status: criteria provided, single submitter. Criteria: The evaluation of idiopathic hypogonadotropic hypogonadism. Collection method: clinical testing. Allele origin: unknown. Affected: yes. Observed: 1 heterozygote.

NM_000216.4(ANOS1):c.1420G>A (p.Gly474Arg)

Gene: ANOS1 (anosmin 1; minus strand). Cytogenetic location: Xp22.31.
Variant type: single nucleotide variant.
Coding change: c.1420G>A on transcript NM_000216.4 (MANE Select); coding-DNA position 1420, G replaced by A.
Protein change: p.Gly474Arg; replaces glycine 474 with arginine.
Molecular consequence: missense variant.
Genome position (GRCh38, 1-based): chrX:8,539,693, C>T on the plus strand (G>A on the coding strand, the complement: ANOS1 is on the minus strand). VCF-style: chrX-8539693-C-T. GRCh37 (hg19) VCF-style: chrX-8507734-C-T.
Other names: short protein forms G474R.
Identifiers: ClinVar variation 183683 (VCV000183683.5), dbSNP rs755569301, ClinGen allele CA277603.